The following is an entry in ClinVar:

NM_138413.4(HOGA1):c.208C>T (p.Arg70Ter)

Gene: HOGA1 (4-hydroxy-2-oxoglutarate aldolase 1; plus strand). Cytogenetic location: 10q24.2.
Variant type: single nucleotide variant.
Coding change: c.208C>T on transcript NM_138413.4 (MANE Select); coding-DNA position 208, C replaced by T.
Protein change: p.Arg70Ter; replaces arginine 70 with a stop codon.
Molecular consequence: nonsense.
Genome position (GRCh38, 1-based): chr10:97,584,911, C>T. VCF-style: chr10-97584911-C-T. GRCh37 (hg19) VCF-style: chr10-99344668-C-T.
Other names: c.208C>T, p.Arg70Ter (NM_001134670.2); short protein forms R70*.
Identifiers: ClinVar variation 204269 (VCV000204269.33), dbSNP rs758304537, ClinGen allele CA203945.

ClinVar aggregate classification (germline): Pathogenic. Review status: criteria provided, multiple submitters, no conflicts (2 of 4 stars). 13 submissions from 13 submitters: Pathogenic (11). 2 of the submissions do not count toward it. Last evaluated 2026-06-05.

Conditions:
HOGA1-related disorder. Also called: HOGA1-related condition.
HOGA1-related disorders.
Primary hyperoxaluria type 3. Also called: PH III. Identifiers: Orphanet 416, Orphanet 93600, MedGen C3150878, MONDO:0013327, OMIM 613616. Disease mechanism: loss of function.

Allele frequency attached by ClinVar (database versions not stated): gnomAD 0.00002; TOPMed 0.00002; ExAC 0.00003; gnomAD exomes 0.00004.
gnomAD v4.1: 58 of 1,613,662 alleles (0.0036%); highest among the groups gnomAD compares: South Asian, 0.0055%; 1 homozygote.

Submissions (13):

PreventionGenetics, part of Exact Sciences
Classification: Pathogenic for HOGA1-related condition. Last evaluated: 2026-06-05. Review status: criteria provided, single submitter. Criteria: ACMG Guidelines, 2015. Collection method: clinical testing. Allele origin: germline.
Comment: The HOGA1 c.208C>T variant is predicted to result in premature protein termination (p.Arg70*). This variant has been reported in the compound heterozygous state in two individuals with hyperoxaluria (Williams et al. 2012. PubMed ID: 22391140 and found in the heterozygous state in one individual with hyperoxaluria (Table S2, Zhao et al. 2022. PubMed ID: 35149915). This variant is reported in 0.0098% of alleles in individuals of South Asian descent in gnomAD. Nonsense variants in HOGA1 are expected to be pathogenic. This variant is interpreted as pathogenic.

Labcorp Genetics (formerly Invitae), Labcorp
Classification: Pathogenic. Last evaluated: 2025-12-14. Review status: criteria provided, single submitter. Criteria: Invitae Variant Classification Sherloc (09022015). Collection method: clinical testing. Allele origin: germline.
Comment: This sequence change creates a premature translational stop signal (p.Arg70*) in the HOGA1 gene. It is expected to result in an absent or disrupted protein product. Loss-of-function variants in HOGA1 are known to be pathogenic (PMID: 22391140, 22781098). This variant is present in population databases (rs758304537, gnomAD 0.01%). This premature translational stop signal has been observed in individuals with primary hyperoxaluria type 3 (PMID: 22391140, 25629080, 27742850). ClinVar contains an entry for this variant (Variation ID: 204269). For these reasons, this variant has been classified as Pathogenic.

Natera, Inc.
Classification: Pathogenic for Primary hyperoxaluria type III. Last evaluated: 2025-10-23. Review status: criteria provided, single submitter. Criteria: Natera Variant Classification Schema (03/2026). Collection method: clinical testing. Allele origin: germline.
Comment: The c.208C>T variant in HOGA1 is a nonsense variant predicted to introduce a stop codon at amino acid 70. This variant is expected to result in nonsense mediated decay, truncation, or a dysfunctional protein product. This variant is rare in the general population with a frequency below the threshold expected for the associated phenotype(s). This variant has been observed in at least one unaffected individual, with a zygosity that is consistent with the inheritance pattern for the associated condition (in gnomAD and/or literature). This variant has been observed in one or more individuals affected with the associated recessive disease, as either homozygous or compound heterozygous with a second variant (PMID: 22391140). Given the available evidence, this variant is classified as Pathogenic.

Dasa
Classification: Pathogenic. Last evaluated: 2025-08-11. Review status: criteria provided, single submitter. Criteria: DASA Assertion Criteria. Collection method: clinical testing. Allele origin: germline.
Comment: NM_138413.4(HOGA1):c.208C>T (p.Arg70*) introduces a premature termination codon predicted to result in loss of normal protein function. Loss-of-function is an established mechanism of disease for this gene. Segregation evidence has been reported in affected families. This variant has been observed in affected individuals with related phenotype in a genotype context consistent with recessive disease (PMID: 39476025; PMID: 22391140). This variant has been recurrently observed in individuals with related phenotype (PMID: 39476025; PMID: 22391140). Based on the available data, this variant is classified as pathogenic.

First Genomix Gene Laboratory, Genetic Diagnostics Department
Classification: Pathogenic for Primary hyperoxaluria type 3. Last evaluated: 2025-07-24. Review status: criteria provided, single submitter. Criteria: ACMG Guidelines, 2015. Collection method: clinical testing. Allele origin: germline. Inheritance: Autosomal recessive inheritance. Affected: no. Observed: 1 variant allele.

Blueprint Genetics
Classification: Pathogenic for HOGA1-related disorders. Last evaluated: 2024-11-05. Review status: criteria provided, single submitter. Criteria: ACMG Guidelines, 2015. Collection method: clinical testing. Allele origin: germline. Affected: yes. Observed: 3 variant alleles.

Women's Health and Genetics/Laboratory Corporation of America, LabCorp
Classification: Pathogenic for Primary hyperoxaluria type 3. Last evaluated: 2024-08-08. Review status: criteria provided, single submitter. Criteria: LabCorp Variant Classification Summary - May 2015. Collection method: clinical testing. Allele origin: germline.
Comment: Variant summary: HOGA1 c.208C>T (p.Arg70X) results in a premature termination codon, predicted to cause a truncation of the encoded protein or absence of the protein due to nonsense mediated decay, which are commonly known mechanisms for disease. The variant allele was found at a frequency of 4e-05 in 248150 control chromosomes in the gnomAD database, including 1 homozygote. This frequency is not significantly higher than estimated for a pathogenic variant in HOGA1 causing Primary Hyperoxaluria, Type III (4e-05 vs 0.0015), allowing no conclusion about variant significance. c.208C>T has been reported in the literature in multiple compound heterozygous individuals affected with Primary Hyperoxaluria, Type III (e.g. Martin-Higueras_2021). These data indicate that the variant is very likely to be associated with disease. To our knowledge, no experimental evidence demonstrating an impact on protein function has been reported. The following publication has been ascertained in the context of this evaluation (PMID: 33865885). ClinVar contains an entry for this variant (Variation ID: 204269). Based on the evidence outlined above, the variant was classified as pathogenic.

Clinical Biochemistry Laboratory, Health Services Laboratory
Classification: Pathogenic for Primary hyperoxaluria type 3. Last evaluated: 2023-10-27. Review status: criteria provided, single submitter. Criteria: ACMG Guidelines, 2015. Collection method: clinical testing. Allele origin: germline. Affected: yes.
Comment: ACMG: PVS1 PM2 PM3

Neuberg Centre For Genomic Medicine, NCGM
Classification: Pathogenic for Primary hyperoxaluria type 3. Last evaluated: 2023-01-24. Review status: criteria provided, single submitter. Criteria: ACMG Guidelines, 2015. Collection method: clinical testing. Allele origin: germline. Inheritance: Autosomal recessive inheritance. Affected: yes.
Comment: The missense c.208C>T (p.Arg70Ter) variant in HOGA1 gene has been reported previously in compound heterozygous state in individuals affected with primary hyperoxaluria type III (Williams et al. 2012; Williams et al. 2015; Richard et al. 2017). The c.208C>T variant is reported with an allele frequency of 0.004% in the gnomAD exomes database and is novel (not in any individuals) in 1000 Genomes database. This variant has been reported to the ClinVar database as Uncertain Significance / Pathognic (multiple submissions). The nucleotide change c.208C>T in HOGA1 is predicted as conserved by GERP++ and PhyloP across 100 vertebrates. This variant is predicted to cause loss of normal protein function through protein truncation. Loss of function variants have been previously reported to be disease causing. For these reasons, this variant has been classified as Pathogenic.

3billion
Classification: Pathogenic for Primary hyperoxaluria type 3. Last evaluated: 2022-05-22. Review status: criteria provided, single submitter. Criteria: ACMG Guidelines, 2015. Collection method: clinical testing. Allele origin: germline. Affected: yes. Observed: 1 homozygote.
Comment: Stop-gained (nonsense): predicted to result in a loss or disruption of normal protein function through nonsense-mediated decay (NMD) or protein truncation. Multiple pathogenic variants are reported downstream of the variant. It is observed at an extremely low frequency in the gnomAD v2.1.1 dataset (total allele frequency: 0.004%). The variant has been reported to be associated with HOGA1 related disorder (ClinVar ID: VCV000204269 / PMID: 22391140). Therefore, this variant is classified as pathogenic according to the recommendation of ACMG/AMP guideline.

Fulgent Genetics
Classification: Pathogenic for Primary hyperoxaluria type 3. Last evaluated: 2018-10-31. Review status: criteria provided, single submitter. Criteria: ACMG Guidelines, 2015. Collection method: clinical testing. Allele origin: unknown.

Chinese Inherited Urolithiasis Consortium, The Affiliated Yantai Yuhuangding Hospital of Qingdao University
Classification: Pathogenic for Primary hyperoxaluria type 3. Last evaluated: 2024-08-26. Review status: no assertion criteria provided. Collection method: clinical testing. Allele origin: paternal. Affected: yes. Observed: 1 variant allele. Not counted in ClinVar's aggregate classification.

Counsyl
Classification: Pathogenic for Primary hyperoxaluria type 3. Last evaluated: 2017-04-06. Review status: no assertion criteria provided. Collection method: clinical testing. Allele origin: unknown. Not counted in ClinVar's aggregate classification.

Literature cited by the submitters: PubMed 22391140 (cited by 5 submitters); PubMed 22781098 (cited by Labcorp Genetics (formerly Invitae), Labcorp); PubMed 25629080 (cited by Labcorp Genetics (formerly Invitae), Labcorp and Clinical Biochemistry Laboratory, Health Services Laboratory); PubMed 27742850 (cited by Labcorp Genetics (formerly Invitae), Labcorp); PubMed 39476025 (cited by Dasa); PubMed 33865885 (cited by Women's Health and Genetics/Laboratory Corporation of America, LabCorp); PubMed 25972204 (cited by Clinical Biochemistry Laboratory, Health Services Laboratory); PubMed 31123811 (cited by Clinical Biochemistry Laboratory, Health Services Laboratory); PubMed 30488096 (cited by Clinical Biochemistry Laboratory, Health Services Laboratory).